The following is an entry in ClinVar:

NM_000423.3(KRT2):c.*216G>A

Gene: KRT2 (keratin 2; minus strand). Cytogenetic location: 12q13.13.
Variant type: single nucleotide variant.
Coding change: c.*216G>A on transcript NM_000423.3 (MANE Select); 216 bases downstream of the stop codon, G replaced by A.
Molecular consequence: 3 prime UTR variant.
Genome position (GRCh38, 1-based): chr12:52,644,803, C>T on the plus strand (G>A on the coding strand, the complement: KRT2 is on the minus strand). VCF-style: chr12-52644803-C-T. GRCh37 (hg19) VCF-style: chr12-53038587-C-T.
Identifiers: ClinVar variation 309591 (VCV000309591.5), dbSNP rs139377296, ClinGen allele CA10641892.

ClinVar aggregate classification (germline): Likely benign (1 of 4 stars; one submission).

Conditions:
Ichthyosis bullosa of Siemens (IBS). Also called: Superficial epidermolytic ichthyosis. Identifiers: Orphanet 455, MedGen C0432306, MONDO:0007813, OMIM 146800.

Allele frequency attached by ClinVar (database versions not stated): gnomAD 0.00056 and 0.00057; TOPMed 0.00080; 1000 Genomes Project 30x 0.00125; 1000 Genomes Project 0.00140.
gnomAD v4.1: 292 of 606,446 alleles (0.048%); highest among the groups gnomAD compares: Middle Eastern, 0.35%; no homozygotes.

Submission:

Illumina Laboratory Services, Illumina
Classification: Likely benign for Ichthyosis bullosa of Siemens. Last evaluated: 2018-01-13. Review status: criteria provided, single submitter. Criteria: ICSL Variant Classification Criteria 13 December 2019. Collection method: clinical testing. Allele origin: germline.
Comment: This variant was observed in the ICSL laboratory as part of a predisposition screen in an ostensibly healthy population. It had not been previously curated by ICSL or reported in the Human Gene Mutation Database (HGMD: prior to June 1st, 2018), and was therefore a candidate for classification through an automated scoring system. Utilizing variant allele frequency, disease prevalence and penetrance estimates, and inheritance mode, an automated score was calculated to assess if this variant is too frequent to cause the disease. Based on the score and internal cut-off values, a variant classified as likely benign is not then subjected to further curation. The score for this variant resulted in a classification of likely benign for this disease.